The following is an entry in ClinVar:

NM_004287.5(GOSR2):c.-26G>C

Genes: GOSR2 (golgi SNAP receptor complex member 2; plus strand), LRRC37A2 (leucine rich repeat containing 37 member A2). Cytogenetic location: 17q21.32.
Variant type: single nucleotide variant.
Coding change: c.-26G>C on transcript NM_004287.5 (MANE Select); 26 bases upstream of the start codon, G replaced by C.
Molecular consequence: 5 prime UTR variant. On other transcripts: non-coding transcript variant (3).
Genome position (GRCh38, 1-based): chr17:46,923,167, G>C. VCF-style: chr17-46923167-G-C. GRCh37 (hg19) VCF-style: chr17-45000533-G-C.
Other names: c.-26G>C (NM_001012511.3, NM_001321133.2, NM_001330252.2 and 4 more transcripts); c.-128G>C (NM_001321134.2); c.-491G>C (NM_001363851.2).
Identifiers: ClinVar variation 377928 (VCV000377928.1), dbSNP rs369892885, ClinGen allele CA8621087.

ClinVar aggregate classification (germline): Benign (1 of 4 stars; one submission).

Allele frequency attached by ClinVar (database versions not stated): ExAC 0.00011; 1000 Genomes Project 30x 0.00016; 1000 Genomes Project 0.00020; gnomAD 0.00020 and 0.00021; TOPMed 0.00024; ESP Exome Variant Server 0.00031.
gnomAD v4.1: 54 of 1,478,622 alleles (0.0037%); highest among the groups gnomAD compares: African/African-American, 0.05%; no homozygotes.

Submission:

GeneDx
Classification: Benign. Last evaluated: 2015-09-22. Review status: criteria provided, single submitter. Criteria: GeneDx Variant Classification (06012015). Collection method: clinical testing. Allele origin: germline. Affected: yes.
Comment: This variant is considered likely benign or benign based on one or more of the following criteria: it is a conservative change, it occurs at a poorly conserved position in the protein, it is predicted to be benign by multiple in silico algorithms, and/or has population frequency not consistent with disease.